The following is an entry in ClinVar:

ClinVar aggregate classification (germline): Likely benign (1 of 4 stars; one submission).

Conditions:
Breast-ovarian cancer, familial, susceptibility to, 1 (BROVCA1). Also called: OVARIAN CANCER, SUSCEPTIBILITY TO; BRCA1 Hereditary Breast and Ovarian Cancer. Identifiers: Orphanet 145, MedGen C2676676, MONDO:0011450, OMIM 604370. Disease mechanism: loss of function.

gnomAD v4.1: 1 of 1,614,154 alleles (0.000062%); highest among the groups gnomAD compares: South Asian, 0.0011%; no homozygotes.

Submission:

Cancer Bioinformatics and Tumour Evolution Laboratory, Monash University
Classification: Likely benign for Breast-ovarian cancer, familial, susceptibility to, 1. Last evaluated: 2026-05-01. Review status: criteria provided, single submitter. Criteria: ClinGen BRCA1 and BRCA2 Guidelines, 2024. Collection method: curation. Allele origin: germline. Inheritance: Autosomal dominant inheritance.
Comment: Missense variant outside of a functional domain with no splice impact. BRCA1 and BRCA2 VCEP guidelines recommend application of BP1_Strong (PMID: 39142283)

NM_007294.4(BRCA1):c.4818A>T (p.Lys1606Asn)

Gene: BRCA1 (BRCA1 DNA repair associated; minus strand). Cytogenetic location: 17q21.31.
Variant type: single nucleotide variant.
Coding change: c.4818A>T on transcript NM_007294.4 (MANE Select); coding-DNA position 4818, A replaced by T.
Protein change: p.Lys1606Asn; replaces lysine 1606 with asparagine.
Molecular consequence: missense variant. On other transcripts: intron variant (1).
Genome position (GRCh38, 1-based): chr17:43,071,096, T>A on the plus strand (A>T on the coding strand, the complement: BRCA1 is on the minus strand). VCF-style: chr17-43071096-T-A. GRCh37 (hg19) VCF-style: chr17-41223113-T-A.
Other names: c.1242A>T, p.Lys414Asn (NM_001408503.1, NM_001408504.1, NM_001408502.1); c.1239A>T, p.Lys413Asn (NM_001408505.1); c.1182A>T, p.Lys394Asn (NM_001408506.1); c.1179A>T, p.Lys393Asn (NM_001408507.1); c.1170A>T, p.Lys390Asn (NM_001408508.1); c.1167A>T, p.Lys389Asn (NM_001408509.1); c.1128A>T, p.Lys376Asn (NM_001408510.1); c.1125A>T, p.Lys375Asn (NM_001408511.1); and 71 more; short protein forms K1309N, K1310N, K1437N, K1452N, K1477N, K1478N, K1479N, K1493N.
Identifiers: ClinVar variation 4856532 (VCV004856532.1).
Genomic context (GRCh38, chr17:43,071,096, plus strand): 5'-ATTATACCCAGCAGTATCAGTAGTATGAGCAGCAGCTGGACTCTGGGCAGATTCTGCAAC[T>A]TTCAATTGGGGAACTTTCAATGCAGAGGTTGAAGATGGTATGTTGCCAACACGAGCTGAC-3'
Protein context (NP_009225.1, residues 1596-1616): STSALKVPQL[Lys1606Asn]VAESAQSPAA